The following is an entry in ClinVar:

NM_005883.3(APC2):c.5435G>C (p.Arg1812Pro)

Gene: APC2 (APC regulator of Wnt signaling pathway 2; plus strand). Cytogenetic location: 19p13.3.
Variant type: single nucleotide variant.
Coding change: c.5435G>C on transcript NM_005883.3 (MANE Select); coding-DNA position 5435, G replaced by C.
Protein change: p.Arg1812Pro; replaces arginine 1812 with proline.
Molecular consequence: missense variant.
Genome position (GRCh38, 1-based): chr19:1,468,736, G>C. VCF-style: chr19-1468736-G-C. GRCh37 (hg19) VCF-style: chr19-1468735-G-C.
Other names: c.5432G>C, p.Arg1811Pro (NM_001351273.1); short protein forms R1811P, R1812P.
Identifiers: ClinVar variation 2362488 (VCV002362488.3), dbSNP rs1555678951, ClinGen allele CA403040997.
Genomic context (GRCh38, chr19:1,468,736, plus strand): 5'-CAGTGATCTACGTCCCCAGCCCGGCACCCCGTGCCCAGCCCAAAGGGACCCCCGGCCCCC[G>C]CGCCACACCGCGGAAGGTGGCGCCCCCTTGCCTGGCACAGCCCGCGGCTCCAGCCAAAGT-3'
Protein context (NP_005874.1, residues 1802-1822): RAQPKGTPGP[Arg1812Pro]ATPRKVAPPC

ClinVar aggregate classification (germline): Uncertain significance (1 of 4 stars; one submission).

Conditions:
Inborn genetic diseases. Identifiers: MedGen C0950123, MeSH D030342.

Submission:

Ambry Genetics
Classification: Uncertain significance for Inborn genetic diseases. Last evaluated: 2026-08-31. Review status: criteria provided, single submitter. Criteria: Ambry Variant Classification Scheme 2023. Collection method: clinical testing. Allele origin: germline.
Comment: The c.5435G>C (p.R1812P) alteration is located in exon 15 (coding exon 14) of the APC2 gene. This alteration results from a G to C substitution at nucleotide position 5435, causing the arginine (R) at amino acid position 1812 to be replaced by a proline (P). This variant was not reported in population-based cohorts in the Genome Aggregation Database (gnomAD). This amino acid position is not well conserved in available vertebrate species. The in silico prediction for this alteration is inconclusive. Based on insufficient or conflicting evidence, the clinical significance of this alteration remains unclear.

Literature cited by the submitters: PubMed 28106320.